The following is an entry in ClinVar:

NM_022114.4(PRDM16):c.1738G>C (p.Glu580Gln)

Gene: PRDM16 (PR/SET domain 16; plus strand). Cytogenetic location: 1p36.32.
Variant type: single nucleotide variant.
Coding change: c.1738G>C on transcript NM_022114.4 (MANE Select); coding-DNA position 1738, G replaced by C.
Protein change: p.Glu580Gln; replaces glutamic acid 580 with glutamine.
Molecular consequence: missense variant.
Genome position (GRCh38, 1-based): chr1:3,411,935, G>C. VCF-style: chr1-3411935-G-C. GRCh37 (hg19) VCF-style: chr1-3328499-G-C.
Other names: c.1738G>C, p.Glu580Gln (NM_199454.3); short protein forms E580Q.
Identifiers: ClinVar variation 2985691 (VCV002985691.3), dbSNP rs371024796, ClinGen allele CA337998831.

ClinVar aggregate classification (germline): Uncertain significance (1 of 4 stars; one submission).

Conditions:
Left ventricular noncompaction 8 (LVNC8). Identifiers: Orphanet 154, Orphanet 54260, MedGen C3809288, MONDO:0014152, OMIM 615373.

gnomAD v4.1: 1 of 1,613,704 alleles (0.000062%); no homozygotes.

Submission:

Labcorp Genetics (formerly Invitae), Labcorp
Classification: Uncertain significance for Left ventricular noncompaction 8. Last evaluated: 2023-02-13. Review status: criteria provided, single submitter. Criteria: Invitae Variant Classification Sherloc (09022015). Collection method: clinical testing. Allele origin: germline.
Comment: In summary, the available evidence is currently insufficient to determine the role of this variant in disease. Therefore, it has been classified as a Variant of Uncertain Significance. Algorithms developed to predict the effect of missense changes on protein structure and function are either unavailable or do not agree on the potential impact of this missense change (SIFT: "Deleterious"; PolyPhen-2: "Possibly Damaging"; Align-GVGD: "Class C0"). This variant has not been reported in the literature in individuals affected with PRDM16-related conditions. This variant is not present in population databases (gnomAD no frequency). This sequence change replaces glutamic acid, which is acidic and polar, with glutamine, which is neutral and polar, at codon 580 of the PRDM16 protein (p.Glu580Gln).